The following is an entry in ClinVar:

ClinVar aggregate classification (germline): Conflicting classifications of pathogenicity. Review status: criteria provided, conflicting classifications (1 of 4 stars). 3 submissions from 2 submitters: Likely pathogenic (1); Uncertain significance (1). 1 of the submissions does not count toward it. Last evaluated 2022-12-30.

Conditions:
Retinitis pigmentosa 3. Also called: CHOROIDORETINAL DEGENERATION WITH RETINAL REFLEX IN HETEROZYGOUS WOMEN. Identifiers: Orphanet 791, MedGen C1845667, MONDO:0010227, OMIM 300029.
Retinal dystrophy. Also called: Inherited retinal dystrophy. Identifiers: Orphanet 71862, MedGen C0854723, MeSH D058499, MONDO:0019118, HP:0000556.
Primary ciliary dyskinesia. Also called: Ciliary dyskinesia. Identifiers: Orphanet 244, MedGen C0008780, MONDO:0016575, HP:0012265.

Submissions (3):

Labcorp Genetics (formerly Invitae), Labcorp
Classification: Uncertain significance for Primary ciliary dyskinesia. Last evaluated: 2022-12-30. Review status: criteria provided, single submitter. Criteria: Invitae Variant Classification Sherloc (09022015). Collection method: clinical testing. Allele origin: germline.
Comment: ClinVar contains an entry for this variant (Variation ID: 866964). In summary, the available evidence is currently insufficient to determine the role of this variant in disease. Therefore, it has been classified as a Variant of Uncertain Significance. This premature translational stop signal has been observed in individual(s) with interited retinal dystrophy (PMID: 34985506). This variant is not present in population databases (gnomAD no frequency). This sequence change creates a premature translational stop signal (p.Glu827*) in the RPGR (ORF15) gene. While this is not anticipated to result in nonsense mediated decay, it is expected to disrupt the last 326 amino acid(s) of the RPGR (ORF15) protein.

Blueprint Genetics
Classification: Likely pathogenic for Retinal dystrophy. Last evaluated: 2018-07-11. Review status: criteria provided, single submitter. Criteria: Blueprint Genetics Variant Classification Scheme. Collection method: clinical testing. Allele origin: germline. Affected: yes.

Blueprint Genetics
Classification: Pathogenic for Retinitis pigmentosa 3. Review status: no assertion criteria provided. Collection method: clinical testing. Allele origin: germline. Affected: yes. Not counted in ClinVar's aggregate classification.

Literature cited by the submitters: PubMed 34985506 (cited by Labcorp Genetics (formerly Invitae), Labcorp).

NM_001034853.2(RPGR):c.2479G>T (p.Glu827Ter)

Gene: RPGR (retinitis pigmentosa GTPase regulator; minus strand). Cytogenetic location: Xp11.4.
Variant type: single nucleotide variant.
Coding change: c.2479G>T on transcript NM_001034853.2 (MANE Select); coding-DNA position 2479, G replaced by T.
Protein change: p.Glu827Ter; replaces glutamic acid 827 with a stop codon.
Molecular consequence: nonsense. On other transcripts: intron variant (8).
Genome position (GRCh38, 1-based): chrX:38,286,520, C>A on the plus strand (G>T on the coding strand, the complement: RPGR is on the minus strand). VCF-style: chrX-38286520-C-A. GRCh37 (hg19) VCF-style: chrX-38145773-C-A.
Other names: c.1569+4439G>T (NM_001367249.1, NM_001367250.1); c.1902+574G>T (NM_001367245.1); c.1386+4439G>T (NM_001367251.1); c.1719+574G>T (NM_001367246.1); c.1572+4439G>T (NM_001367247.1); c.1905+574G>T (NM_000328.3); c.1602+4439G>T (NM_001367248.1); short protein forms E827*.
Identifiers: ClinVar variation 866964 (VCV000866964.5), dbSNP rs2067179538, ClinGen allele CA412730546.